The following is an entry in ClinVar:

NM_002439.5(MSH3):c.2084A>G (p.Lys695Arg)

Gene: MSH3 (mutS homolog 3; plus strand). Cytogenetic location: 5q14.1.
Variant type: single nucleotide variant.
Coding change: c.2084A>G on transcript NM_002439.5 (MANE Select); coding-DNA position 2084, A replaced by G.
Protein change: p.Lys695Arg; replaces lysine 695 with arginine.
Molecular consequence: missense variant.
Genome position (GRCh38, 1-based): chr5:80,768,120, A>G. VCF-style: chr5-80768120-A-G. GRCh37 (hg19) VCF-style: chr5-80063939-A-G.
Other names: short protein forms K695R.
Identifiers: ClinVar variation 841192 (VCV000841192.10), dbSNP rs759907930, ClinGen allele CA3328126.

ClinVar aggregate classification (germline): Uncertain significance. Review status: criteria provided, multiple submitters, no conflicts (2 of 4 stars). 2 submissions from 2 submitters: Uncertain significance (2). Last evaluated 2023-04-28.

Conditions:
Hereditary cancer-predisposing syndrome. Also called: Hereditary Cancer Syndrome; Hereditary neoplastic syndrome; Tumor predisposition; Neoplastic Syndromes, Hereditary. Identifiers: Orphanet 140162, MedGen C0027672, MeSH D009386, MONDO:0015356.

Allele frequency attached by ClinVar (database versions not stated): gnomAD exomes below 0.00001; ExAC 0.00001.
gnomAD v4.1: 5 of 1,613,054 alleles (0.00031%); highest among the groups gnomAD compares: South Asian, 0.0044%; no homozygotes.

Submissions (2):

Labcorp Genetics (formerly Invitae), Labcorp
Classification: Uncertain significance. Last evaluated: 2023-04-28. Review status: criteria provided, single submitter. Criteria: Invitae Variant Classification Sherloc (09022015). Collection method: clinical testing. Allele origin: germline.
Comment: An algorithm developed to predict the effect of missense changes on protein structure and function (PolyPhen-2) suggests that this variant is likely to be disruptive. In summary, the available evidence is currently insufficient to determine the role of this variant in disease. Therefore, it has been classified as a Variant of Uncertain Significance. ClinVar contains an entry for this variant (Variation ID: 841192). This variant has not been reported in the literature in individuals affected with MSH3-related conditions. This variant is present in population databases (rs759907930, gnomAD 0.003%). This sequence change replaces lysine, which is basic and polar, with arginine, which is basic and polar, at codon 695 of the MSH3 protein (p.Lys695Arg).

Ambry Genetics
Classification: Uncertain significance for Hereditary cancer-predisposing syndrome. Last evaluated: 2021-01-28. Review status: criteria provided, single submitter. Criteria: Ambry Variant Classification Scheme 2023. Collection method: clinical testing. Allele origin: germline.
Comment: The p.K695R variant (also known as c.2084A>G), located in coding exon 14 of the MSH3 gene, results from an A to G substitution at nucleotide position 2084. The amino acid change results in lysine to arginine at codon 695, an amino acid with highly similar properties. This amino acid position is highly conserved in available vertebrate species. In addition, this alteration is predicted to be tolerated by in silico analysis. Since supporting evidence is limited at this time, the clinical significance of this alteration remains unclear.